The following is an entry in ClinVar:

ClinVar aggregate classification (germline): Conflicting classifications of pathogenicity. Review status: criteria provided, conflicting classifications (1 of 4 stars). 2 submissions from 2 submitters: Uncertain significance (1); Likely benign (1). Last evaluated 2026-05-11.

Conditions:
Emery-Dreifuss muscular dystrophy 5, autosomal dominant (EDMD5). Also called: EMERY-DREIFUSS MUSCULAR DYSTROPHY 5. Identifiers: Orphanet 261, MedGen C2751805, MONDO:0013072, OMIM 612999.

gnomAD v4.1: 1 of 1,614,010 alleles (0.000062%); highest among the groups gnomAD compares: South Asian, 0.0011%; no homozygotes.

Submissions (2):

Centre for Medical Genetics,  Mumbai
Classification: Likely benign for Emery-Dreifuss muscular dystrophy 5, autosomal dominant. Last evaluated: 2026-05-11. Review status: criteria provided, single submitter. Criteria: ACMG Guidelines, 2015. Collection method: provider interpretation. Allele origin: germline. Inheritance: Autosomal dominant inheritance. Affected: no. Observed: 1 variant allele, 1 heterozygote.
Comment: The variant satisfies PM2 criteria - extremely low frequency in gnomAD population databases. The variant satisfies BP4 criteria - for a missense or a splice region variant, computational prediction tools unanimously support a benign effect on the gene. However, the variant satisfies BS2 criteria - present in heterozygous state in an individual that clinically does not have Emery-Dreifuss muscular dystrophy 5.

Ambry Genetics
Classification: Uncertain significance. Last evaluated: 2025-04-11. Review status: criteria provided, single submitter. Criteria: Ambry Variant Classification Scheme 2023. Collection method: clinical testing. Allele origin: germline.

Literature cited by the submitters: PubMed 17761684 (cited by Centre for Medical Genetics,  Mumbai).

NM_182914.3(SYNE2):c.1114G>A (p.Gly372Ser)

Gene: SYNE2 (spectrin repeat containing nuclear envelope protein 2; plus strand). Cytogenetic location: 14q23.2.
Variant type: single nucleotide variant.
Coding change: c.1114G>A on transcript NM_182914.3 (MANE Select); coding-DNA position 1114, G replaced by A.
Protein change: p.Gly372Ser; replaces glycine 372 with serine.
Molecular consequence: missense variant.
Genome position (GRCh38, 1-based): chr14:63,967,832, G>A. VCF-style: chr14-63967832-G-A. GRCh37 (hg19) VCF-style: chr14-64434550-G-A.
Other names: c.1114G>A, p.Gly372Ser (NM_015180.6); short protein forms G372S.
Identifiers: ClinVar variation 3964494 (VCV003964494.2).
Genomic context (GRCh38, chr14:63,967,832, plus strand): 5'-ATAAAACGGGATCTGGATGAGCTGGACAAGGATCATTTACAGTTGAGAGAAGCCTGGGAT[G>A]GCCTCGATCACCAGGTGACTGTTTGTGTTGATTAGAAGAATATTTTCAGGCCAAAAGCAG-3'
Protein context (NP_878918.2, residues 362-382): DHLQLREAWD[Gly372Ser]LDHQINAWKI